The following is an entry in ClinVar:

NM_000458.4(HNF1B):c.1360_1361del (p.Gln454fs)

Gene: HNF1B (HNF1 homeobox B; minus strand). Cytogenetic location: 17q12.
Variant type: Microsatellite.
Coding change: c.1360_1361del on transcript NM_000458.4 (MANE Select); coding-DNA positions 1360 to 1361, 2 bases deleted (CA; older notation c.1360_1361delCA).
Protein change: p.Gln454fs; shifts the reading frame from glutamine 454.
Molecular consequence: frameshift variant. On other transcripts: intron variant (1).
Genome position (GRCh38, 1-based): chr17:37,701,156-37,701,157, TG deleted on the plus strand (CA on the coding strand, the reverse complement: HNF1B is on the minus strand); deleting any 2 consecutive bases within chr17:37,701,156-37,701,159 gives the same sequence; the c. name uses the placement nearest the transcript's 3' end. VCF-style (leftmost placement, unchanged base first): chr17-37701155-CTG-C. GRCh37 (hg19) VCF-style: chr17-36061160-CTG-C.
Other names: c.1282_1283del, p.Gln428fs (NM_001165923.4); c.1261+3760_1261+3761del (NM_001304286.2); short protein forms Q428fs, Q454fs.
Identifiers: ClinVar variation 635587 (VCV000635587.1), dbSNP rs2511701087, ClinGen allele CA913190645.

ClinVar aggregate classification (germline): Pathogenic (1 of 4 stars; one submission).

Conditions:
Renal cysts and diabetes syndrome (RCAD). Also called: Familial hypoplastic, glomerulocystic kidney; MATURITY-ONSET DIABETES OF THE YOUNG, TYPE 5. Identifiers: Orphanet 93111, MedGen C0431693, MONDO:0007669, OMIM 137920.

Submission:

Institute of Human Genetics, FAU Erlangen, Friedrich-Alexander-Universität Erlangen-Nürnberg
Classification: Pathogenic for Renal cysts and diabetes syndrome. Last evaluated: 2019-07-06. Review status: criteria provided, single submitter. Criteria: ACMG Guidelines, 2015. Collection method: literature only. Allele origin: germline. Affected: yes.
Comment: This variant and it's classification has been reported by Vasileiou et al. 2019; DOI:10.1101/576918. The variants has previously been reported in PMID:28420700 as "c.1360_1361del,p.Gln454fs" with clinical significance Pathogenic. It has been re-classified using InterVar and manual curation as Pathogenic based on PVS1 PM2 PP3.

Literature cited by the submitters: PubMed 28420700; DOI 10.1101/576918.